The following is an entry in ClinVar:

ClinVar aggregate classification (germline): Pathogenic (1 of 4 stars; one submission).

Conditions:
Pterin-4 alpha-carbinolamine dehydratase 1 deficiency. Also called: Hyperphenylalaninemia due to dehydratase deficiency; CADH DEFICIENCY; HYPERPHENYLALANINEMIA WITH PRIMAPTERINURIA; HYPERPHENYLALANINEMIA, TETRAHYDROBIOPTERIN-DEFICIENT, DUE TO PTERIN-4-ALPHA-CARBINOLAMINE DEHYDRATASE DEFICIENCY. Identifiers: Orphanet 1578, Orphanet 238583, MedGen C1849700, MONDO:0009908, OMIM 264070.

Allele frequency attached by ClinVar (database versions not stated): ExAC 0.00001; TOPMed 0.00002; gnomAD exomes 0.00003.

Submission:

Labcorp Genetics (formerly Invitae), Labcorp
Classification: Pathogenic for Pterin-4 alpha-carbinolamine dehydratase 1 deficiency. Last evaluated: 2025-11-18. Review status: criteria provided, single submitter. Criteria: Invitae Variant Classification Sherloc (09022015). Collection method: clinical testing. Allele origin: germline.
Comment: This sequence change creates a premature translational stop signal (p.Gln37Hisfs*14) in the PCBD1 gene. It is expected to result in an absent or disrupted protein product. Loss-of-function variants in PCBD1 are known to be pathogenic (PMID: 958615). This variant is present in population databases (rs769110552, gnomAD 0.002%). This variant has not been reported in the literature in individuals affected with PCBD1-related conditions. ClinVar contains an entry for this variant (Variation ID: 2912706). For these reasons, this variant has been classified as Pathogenic.

Literature cited by the submitters: PubMed 958615.

NM_000281.4(PCBD1):c.111del (p.Gln37fs)

Gene: PCBD1 (pterin-4 alpha-carbinolamine dehydratase 1; minus strand). Cytogenetic location: 10q22.1.
Variant type: Deletion.
Coding change: c.111del on transcript NM_000281.4 (MANE Select); coding-DNA position 111, one base deleted (G; older notation c.111delG).
Protein change: p.Gln37fs; shifts the reading frame from glutamine 37.
Molecular consequence: frameshift variant. On other transcripts: 5 prime UTR variant (1).
Genome position (GRCh38, 1-based): chr10:70,885,822, C deleted on the plus strand (G on the coding strand, the reverse complement: PCBD1 is on the minus strand). VCF-style (leftmost placement, unchanged base first): chr10-70885821-AC-A. GRCh37 (hg19) VCF-style: chr10-72645578-AC-A.
Other names: c.-37del (NM_001289797.2); c.111del, p.Gln37fs (NM_001323004.2); short protein forms Q37fs.
Identifiers: ClinVar variation 2912706 (VCV002912706.3), dbSNP rs769110552, ClinGen allele CA5541629.
Genomic context (GRCh38, chr10:70,885,821, plus strand): 5'-CCGTCTCAGAAAACTCTGTCCCACCCTGGTGCCATACCCTGTTGAAGTCTTTGAAATGAA[AC>A]TGCTTGAAGATGGCATCACGGCCTTCCAGCTCATTCCACCCCACAGCCCTCAGGTTTGGC-3'